The following is an entry in ClinVar:

NM_001079802.2(FKTN):c.1186A>C (p.Lys396Gln)

Gene: FKTN (fukutin; plus strand). Cytogenetic location: 9q31.2.
Variant type: single nucleotide variant.
Coding change: c.1186A>C on transcript NM_001079802.2 (MANE Select); coding-DNA position 1186, A replaced by C.
Protein change: p.Lys396Gln; replaces lysine 396 with glutamine.
Molecular consequence: missense variant. On other transcripts: non-coding transcript variant (2).
Genome position (GRCh38, 1-based): chr9:105,635,064, A>C. VCF-style: chr9-105635064-A-C. GRCh37 (hg19) VCF-style: chr9-108397345-A-C.
Other names: c.1186A>C, p.Lys396Gln (NM_001198963.2, NM_001351496.2, NM_006731.2); c.1117A>C, p.Lys373Gln (NM_001351497.2); c.1217A>C, p.Glu406Ala (NM_001351498.2); c.790A>C, p.Lys264Gln (NM_001351499.2, NM_001351500.2, NM_001351501.2 and 1 more transcripts); short protein forms K396Q, K264Q, K373Q, E406A.
Identifiers: ClinVar variation 447339 (VCV000447339.21), dbSNP rs1477740717, ClinGen allele CA374378027.

ClinVar aggregate classification (germline): Uncertain significance. Review status: criteria provided, multiple submitters, no conflicts (2 of 4 stars). 8 submissions from 8 submitters: Uncertain significance (7). 1 of the submissions does not count toward it. Last evaluated 2025-09-18.

Conditions:
Walker-Warburg congenital muscular dystrophy. Also called: Muscular dystrophy-dystroglycanopathy, type A; Walker-Warburg syndrome. Identifiers: Orphanet 899, MedGen C0265221, MONDO:0000171.
Cardiovascular phenotype. Identifiers: MedGen CN230736.
Muscular dystrophy-dystroglycanopathy (congenital with brain and eye anomalies), type A, 4 (MDDGA4). Also called: Congenital muscular dystrophy-dystroglycanopathy with brain and eye anomalies, type A4; Walker-Warburg Syndrome, Fktn-Related; Muscular dystrophy, congenital progressive, with mental retardation; Muscular dystrophy, congenital, with central nervous system involvement; Cerebromuscular dystrophy, Fukuyama type; Fukuyama congenital muscular dystrophy. Identifiers: Orphanet 272, Orphanet 588, Orphanet 899, MedGen C0410174, MONDO:0009678, OMIM 253800.
Dilated cardiomyopathy 1X (CMD1X). Also called: FKTN-Related Dilated Cardiomyopathy; CARDIOMYOPATHY, DILATED, WITH MILD OR NO PROXIMAL MUSCLE WEAKNESS. Identifiers: Orphanet 154, MedGen C1969024, MONDO:0012704, OMIM 611615.
Muscular dystrophy-dystroglycanopathy (congenital without impaired intellectual development), type B, 4. Also called: Muscular dystrophy-dystroglycanopathy (congenital without intellectual disability), type B4; MUSCULAR DYSTROPHY, CONGENITAL, FKTN-RELATED. Identifiers: MedGen C2751052, MONDO:0013156, OMIM 613152.
Autosomal recessive limb-girdle muscular dystrophy type 2M. Also called: MUSCULAR DYSTROPHY, LIMB-GIRDLE, TYPE 2M; MUSCULAR DYSTROPHY-DYSTROGLYCANOPATHY (LIMB-GIRDLE), TYPE C, 4. Identifiers: Orphanet 206554, MedGen C1969040, MONDO:0012699, OMIM 611588.

Allele frequency attached by ClinVar (database versions not stated): gnomAD 0.00001; gnomAD exomes below 0.00001; TOPMed 0.00001.
gnomAD v4.1: 9 of 1,614,032 alleles (0.00056%); highest among the groups gnomAD compares: African/African-American, 0.0013%; no homozygotes.

Submissions (8):

Ambry Genetics
Classification: Uncertain significance for Cardiovascular phenotype. Last evaluated: 2025-09-18. Review status: criteria provided, single submitter. Criteria: Ambry Variant Classification Scheme 2023. Collection method: clinical testing. Allele origin: germline.
Comment: The p.K396Q variant (also known as c.1186A>C), located in coding exon 9 of the FKTN gene, results from an A to C substitution at nucleotide position 1186. The lysine at codon 396 is replaced by glutamine, an amino acid with similar properties. This amino acid position is not well conserved in available vertebrate species. In addition, the in silico prediction for this alteration is inconclusive. Since supporting evidence is limited at this time, the clinical significance of this alteration remains unclear.

Labcorp Genetics (formerly Invitae), Labcorp
Classification: Uncertain significance for Walker-Warburg congenital muscular dystrophy. Last evaluated: 2024-12-05. Review status: criteria provided, single submitter. Criteria: Invitae Variant Classification Sherloc (09022015). Collection method: clinical testing. Allele origin: germline.
Comment: This sequence change replaces lysine, which is basic and polar, with glutamine, which is neutral and polar, at codon 396 of the FKTN protein (p.Lys396Gln). This variant is present in population databases (no rsID available, gnomAD 0.0009%). This variant has not been reported in the literature in individuals affected with FKTN-related conditions. ClinVar contains an entry for this variant (Variation ID: 447339). Invitae Evidence Modeling of protein sequence and biophysical properties (such as structural, functional, and spatial information, amino acid conservation, physicochemical variation, residue mobility, and thermodynamic stability) has been performed for this missense variant. However, the output from this modeling did not meet the statistical confidence thresholds required to predict the impact of this variant on FKTN protein function. In summary, the available evidence is currently insufficient to determine the role of this variant in disease. Therefore, it has been classified as a Variant of Uncertain Significance.

Mayo Clinic Laboratories, Mayo Clinic
Classification: Uncertain significance. Last evaluated: 2024-08-19. Review status: criteria provided, single submitter. Criteria: ACMG Guidelines, 2015. Collection method: clinical testing. Allele origin: germline. Observed: 1 variant allele.
Comment: PM2

Fulgent Genetics
Classification: Uncertain significance for Muscular dystrophy-dystroglycanopathy (congenital with brain and eye anomalies), type A, 4; Autosomal recessive limb-girdle muscular dystrophy type 2M; Dilated cardiomyopathy 1X; Muscular dystrophy-dystroglycanopathy (congenital without impaired intellectual development), type B, 4. Last evaluated: 2024-04-30. Review status: criteria provided, single submitter. Criteria: ACMG Guidelines, 2015. Collection method: clinical testing. Allele origin: germline.

Women's Health and Genetics/Laboratory Corporation of America, LabCorp
Classification: Uncertain significance. Last evaluated: 2024-03-30. Review status: criteria provided, single submitter. Criteria: LabCorp Variant Classification Summary - May 2015. Collection method: clinical testing. Allele origin: germline.

GeneDx
Classification: Uncertain significance. Last evaluated: 2019-10-10. Review status: criteria provided, single submitter. Criteria: GeneDx Variant Classification Process June 2021. Collection method: clinical testing. Allele origin: germline. Affected: yes.
Comment: Not observed at a significant frequency in large population cohorts (Lek et al., 2016); In silico analysis, which includes protein predictors and evolutionary conservation, supports that this variant does not alter protein structure/function; Has not been previously published as pathogenic or benign to our knowledge

Athena Diagnostics
Classification: Uncertain significance. Last evaluated: 2017-06-12. Review status: criteria provided, single submitter. Criteria: Athena Diagnostics Criteria. Collection method: clinical testing. Allele origin: germline.

Natera, Inc.
Classification: Uncertain significance for Walker-Warburg congenital muscular dystrophy. Last evaluated: 2021-01-23. Review status: no assertion criteria provided. Collection method: clinical testing. Allele origin: germline. Not counted in ClinVar's aggregate classification.